The following is an entry in ClinVar:

ClinVar aggregate classification (germline): Likely pathogenic. Review status: criteria provided, single submitter (1 of 4 stars). 2 submissions from 2 submitters: Likely pathogenic (1). 1 of the submissions does not count toward it. Last evaluated 2024-03-03.

Conditions:
Primary ciliary dyskinesia. Also called: Ciliary dyskinesia. Identifiers: Orphanet 244, MedGen C0008780, MONDO:0016575, HP:0012265.

Allele frequency attached by ClinVar (database versions not stated): gnomAD exomes below 0.00001.
gnomAD v4.1: 2 of 1,613,924 alleles (0.00012%); highest among the groups gnomAD compares: Non-Finnish European, 0.00017%; no homozygotes.

Submissions (2):

Labcorp Genetics (formerly Invitae), Labcorp
Classification: Likely pathogenic for Primary ciliary dyskinesia. Last evaluated: 2024-03-03. Review status: criteria provided, single submitter. Criteria: Invitae Variant Classification Sherloc (09022015). Collection method: clinical testing. Allele origin: germline.
Comment: This sequence change replaces aspartic acid, which is acidic and polar, with valine, which is neutral and non-polar, at codon 4260 of the DNAH5 protein (p.Asp4260Val). This variant is not present in population databases (gnomAD no frequency). This missense change has been observed in individual(s) with primary ciliary dyskinesia (Invitae). ClinVar contains an entry for this variant (Variation ID: 855850). Advanced modeling of protein sequence and biophysical properties (such as structural, functional, and spatial information, amino acid conservation, physicochemical variation, residue mobility, and thermodynamic stability) has been performed at Invitae for this missense variant, however the output from this modeling did not meet the statistical confidence thresholds required to predict the impact of this variant on DNAH5 protein function. In summary, the currently available evidence indicates that the variant is pathogenic, but additional data are needed to prove that conclusively. Therefore, this variant has been classified as Likely Pathogenic.

Natera, Inc.
Classification: Uncertain significance for Primary ciliary dyskinesia. Last evaluated: 2021-01-06. Review status: no assertion criteria provided. Collection method: clinical testing. Allele origin: germline. Not counted in ClinVar's aggregate classification.

NM_001369.3(DNAH5):c.12779A>T (p.Asp4260Val)

Gene: DNAH5 (dynein axonemal heavy chain 5; minus strand). Cytogenetic location: 5p15.2.
Variant type: single nucleotide variant.
Coding change: c.12779A>T on transcript NM_001369.3 (MANE Select); coding-DNA position 12779, A replaced by T.
Protein change: p.Asp4260Val; replaces aspartic acid 4260 with valine.
Molecular consequence: missense variant.
Genome position (GRCh38, 1-based): chr5:13,716,617, T>A on the plus strand (A>T on the coding strand, the complement: DNAH5 is on the minus strand). VCF-style: chr5-13716617-T-A. GRCh37 (hg19) VCF-style: chr5-13716726-T-A.
Other names: short protein forms D4260V.
Identifiers: ClinVar variation 855850 (VCV000855850.13), dbSNP rs1744309029, ClinGen allele CA359204168.